The following is an entry in ClinVar:

ClinVar aggregate classification (germline): Likely benign (0 of 4 stars; one submission).

Conditions:
NPC1L1-related disorder. Also called: NPC1L1-related condition.

Allele frequency attached by ClinVar (database versions not stated): TOPMed 0.00004; gnomAD 0.00005; ExAC 0.00007.
gnomAD v4.1: 33 of 1,613,424 alleles (0.002%); highest among the groups gnomAD compares: East Asian, 0.022%; no homozygotes.

Submission:

PreventionGenetics, part of Exact Sciences
Classification: Likely benign for NPC1L1-related condition. Last evaluated: 2019-09-23. Review status: no assertion criteria provided. Collection method: clinical testing. Allele origin: germline.
Comment: This variant is classified as likely benign based on ACMG/AMP sequence variant interpretation guidelines (Richards et al. 2015 PMID: 25741868, with internal and published modifications).

NM_001101648.2(NPC1L1):c.1038G>A (p.Thr346=)

Gene: NPC1L1 (NPC1 like intracellular cholesterol transporter 1; minus strand). Cytogenetic location: 7p13.
Variant type: single nucleotide variant.
Coding change: c.1038G>A on transcript NM_001101648.2 (MANE Select); coding-DNA position 1038, G replaced by A.
Protein change: p.Thr346=; no amino-acid change (threonine 346 retained).
Molecular consequence: synonymous variant.
Genome position (GRCh38, 1-based): chr7:44,539,359, C>T on the plus strand (G>A on the coding strand, the complement: NPC1L1 is on the minus strand). VCF-style: chr7-44539359-C-T. GRCh37 (hg19) VCF-style: chr7-44578958-C-T.
Other names: c.1038G>A, p.Thr346= (NM_001300967.2, NM_013389.3).
Identifiers: ClinVar variation 3040474 (VCV003040474.2), dbSNP rs532138607, ClinGen allele CA4242296.
Genomic context (GRCh38, chr7:44,539,359, plus strand): 5'-CAAGGCCACCACCGGGATGACAGATAGCACCAAGATGGTCAGAGGCCACGAAGCCACCCA[C>T]GTGCCCCAGCCCTGGAAGAACTGGCCAAGGAGGGTGTGGGTGGAGAAGCTGAGCTTGTCA-3'
Protein context (NP_001095118.1, residues 336-356): LLGQFFQGWG[Thr346=]WVASWPLTIL